The following is an entry in ClinVar:

NM_000535.7(PMS2):c.2091A>G (p.Ile697Met)

Gene: PMS2 (PMS1 homolog 2, mismatch repair system component; minus strand). Cytogenetic location: 7p22.1.
Variant type: single nucleotide variant.
Coding change: c.2091A>G on transcript NM_000535.7 (MANE Select); coding-DNA position 2091, A replaced by G.
Protein change: p.Ile697Met; replaces isoleucine 697 with methionine.
Molecular consequence: missense variant. On other transcripts: non-coding transcript variant (1).
Genome position (GRCh38, 1-based): chr7:5,982,907, T>C on the plus strand (A>G on the coding strand, the complement: PMS2 is on the minus strand). VCF-style: chr7-5982907-T-C. GRCh37 (hg19) VCF-style: chr7-6022538-T-C.
Other names: c.2091A>G (NM_000535.6); c.1686A>G, p.Ile562Met (NM_001322003.2, NM_001322004.2, NM_001322005.2 and 1 more transcripts); c.1935A>G, p.Ile645Met (NM_001322006.2); c.1773A>G, p.Ile591Met (NM_001322007.2, NM_001322008.2); c.1530A>G, p.Ile510Met (NM_001322010.2); c.1158A>G, p.Ile386Met (NM_001322011.2, NM_001322012.2); c.1518A>G, p.Ile506Met (NM_001322013.2); c.2091A>G, p.Ile697Met (NM_001322014.2); and 1 more; short protein forms I697M, I562M, I594M, I386M, I591M, I645M, I506M, I510M.
Identifiers: ClinVar variation 486058 (VCV000486058.20), dbSNP rs1554295855, ClinGen allele CA366738015.

ClinVar aggregate classification (germline): Uncertain significance. Review status: criteria provided, multiple submitters, no conflicts (2 of 4 stars). 6 submissions from 6 submitters: Uncertain significance (6). Last evaluated 2025-08-14.

Conditions:
Hereditary nonpolyposis colorectal neoplasms. Identifiers: MedGen C0009405, MeSH D003123.
Hereditary cancer-predisposing syndrome. Also called: Tumor predisposition; Hereditary Cancer Syndrome; Hereditary neoplastic syndrome; Neoplastic Syndromes, Hereditary. Identifiers: Orphanet 140162, MedGen C0027672, MeSH D009386, MONDO:0015356.
Lynch syndrome. Identifiers: Orphanet 144, MedGen C4552100, MONDO:0005835. Disease mechanism: loss of function.
Lynch syndrome 4 (LYNCH4). Also called: Colorectal cancer, hereditary nonpolyposis, type 4; Hereditary non-polyposis colorectal cancer, type 4. Identifiers: Orphanet 144, MedGen C1838333, MONDO:0013699, OMIM 614337. Disease mechanism: loss of function.

Submissions (6):

Quest Diagnostics Nichols Institute San Juan Capistrano
Classification: Uncertain significance. Last evaluated: 2025-08-14. Review status: criteria provided, single submitter. Criteria: Quest Diagnostics criteria. Collection method: clinical testing. Allele origin: unknown.
Comment: The PMS2 c.2091A>G (p.Ile697Met) variant has not been reported in individuals with PMS2-related conditions in the published literature. This variant has not been reported in large, multi-ethnic general populations (Genome Aggregation Database). Analysis of this variant using bioinformatics tools for the prediction of the effect of amino acid changes on protein structure and function yielded predictions that this variant is benign. Based on the available information, we are unable to determine the clinical significance of this variant.

Labcorp Genetics (formerly Invitae), Labcorp
Classification: Uncertain significance for Hereditary nonpolyposis colorectal neoplasms. Last evaluated: 2025-07-18. Review status: criteria provided, single submitter. Criteria: Invitae Variant Classification Sherloc (09022015). Collection method: clinical testing. Allele origin: germline.
Comment: This sequence change replaces isoleucine, which is neutral and non-polar, with methionine, which is neutral and non-polar, at codon 697 of the PMS2 protein (p.Ile697Met). The frequency data for this variant in the population databases (gnomAD) is considered unreliable due to the presence of homologous sequence, such as pseudogenes or paralogs, in the genome. This variant has not been reported in the literature in individuals affected with PMS2-related conditions. ClinVar contains an entry for this variant (Variation ID: 486058). Invitae Evidence Modeling incorporating data from in vitro experimental studies (internal data) indicates that this missense variant is not expected to disrupt PMS2 function with a negative predictive value of 95%. In summary, the available evidence is currently insufficient to determine the role of this variant in disease. Therefore, it has been classified as a Variant of Uncertain Significance.

Ambry Genetics
Classification: Uncertain significance for Hereditary cancer-predisposing syndrome. Last evaluated: 2024-01-03. Review status: criteria provided, single submitter. Criteria: Ambry Variant Classification Scheme 2023. Collection method: clinical testing. Allele origin: germline.
Comment: The p.I697M variant (also known as c.2091A>G), located in coding exon 12 of the PMS2 gene, results from an A to G substitution at nucleotide position 2091. The isoleucine at codon 697 is replaced by methionine, an amino acid with highly similar properties. This amino acid position is not well conserved in available vertebrate species. In addition, this alteration is predicted to be tolerated by in silico analysis. Since supporting evidence is limited at this time, the clinical significance of this alteration remains unclear.

Baylor Genetics
Classification: Uncertain significance for Lynch syndrome 4. Last evaluated: 2023-09-08. Review status: criteria provided, single submitter. Criteria: ACMG Guidelines, 2015. Collection method: clinical testing. Allele origin: unknown.

Color Diagnostics, LLC DBA Color Health
Classification: Uncertain significance for Hereditary cancer-predisposing syndrome. Last evaluated: 2023-08-21. Review status: criteria provided, single submitter. Criteria: ACMG Guidelines, 2015. Collection method: clinical testing. Allele origin: germline.
Comment: This missense variant replaces isoleucine with methionine at codon 697 of the PMS2 protein. Computational prediction suggests that this variant may not impact protein structure and function (internally defined REVEL score threshold <= 0.5, PMID: 27666373). To our knowledge, functional studies have not been reported for this variant. This variant has not been reported in individuals affected with PMS2-related disorders in the literature. This variant has not been identified in the general population by the Genome Aggregation Database (gnomAD). The available evidence is insufficient to determine the role of this variant in disease conclusively. Therefore, this variant is classified as a Variant of Uncertain Significance.

Department of Pathology and Laboratory Medicine, Sinai Health System
Classification: Uncertain significance for Lynch syndrome. Last evaluated: 2022-12-28. Review status: criteria provided, single submitter. Criteria: ACMG Guidelines, 2015. Collection method: clinical testing. Allele origin: germline. Affected: yes.